The following is an entry in ClinVar:

ClinVar aggregate classification (germline): Benign/Likely benign. Review status: criteria provided, single submitter (1 of 4 stars). 2 submissions from 1 submitter: Benign (1); Likely benign (1). Last evaluated 2018-01-13.

Conditions:
Alzheimer disease 3 (AD3). Also called: ALZHEIMER DISEASE, FAMILIAL, 3. Identifiers: Orphanet 1020, MedGen C1843013, MONDO:0011913, OMIM 607822.
Dilated cardiomyopathy 1U. Identifiers: Orphanet 154, MedGen C3160720, MONDO:0013371, OMIM 613694.

Allele frequency attached by ClinVar (database versions not stated): 1000 Genomes Project 30x 0.00406; gnomAD 0.00413 and 0.00446; 1000 Genomes Project 0.00439; TOPMed 0.00475.

Submissions (2):

Illumina Laboratory Services, Illumina
Classification: Likely benign for Dilated cardiomyopathy 1U. Last evaluated: 2018-01-13. Review status: criteria provided, single submitter. Criteria: ICSL Variant Classification Criteria 13 December 2019. Collection method: clinical testing. Allele origin: germline.
Comment: This variant was observed in the ICSL laboratory as part of a predisposition screen in an ostensibly healthy population. It had not been previously curated by ICSL or reported in the Human Gene Mutation Database (HGMD: prior to June 1st, 2018), and was therefore a candidate for classification through an automated scoring system. Utilizing variant allele frequency, disease prevalence and penetrance estimates, and inheritance mode, an automated score was calculated to assess if this variant is too frequent to cause the disease. Based on the score and internal cut-off values, a variant classified as likely benign is not then subjected to further curation. The score for this variant resulted in a classification of likely benign for this disease.

Illumina Laboratory Services, Illumina
Classification: Benign for Alzheimer disease 3. Last evaluated: 2018-01-13. Review status: criteria provided, single submitter. Criteria: ICSL Variant Classification Criteria 13 December 2019. Collection method: clinical testing. Allele origin: germline.
Comment: This variant was observed in the ICSL laboratory as part of a predisposition screen in an ostensibly healthy population. It had not been previously curated by ICSL or reported in the Human Gene Mutation Database (HGMD: prior to June 1st, 2018), and was therefore a candidate for classification through an automated scoring system. Utilizing variant allele frequency, disease prevalence and penetrance estimates, and inheritance mode, an automated score was calculated to assess if this variant is too frequent to cause the disease. Based on the score and internal cut-off values, a variant classified as benign is not then subjected to further curation. The score for this variant resulted in a classification of benign for this disease.

NM_000021.4(PSEN1):c.*1791A>T

Gene: PSEN1 (presenilin 1; plus strand). Cytogenetic location: 14q24.2.
Variant type: single nucleotide variant.
Coding change: c.*1791A>T on transcript NM_000021.4 (MANE Select); 1791 bases downstream of the stop codon, A replaced by T.
Molecular consequence: 3 prime UTR variant.
Genome position (GRCh38, 1-based): chr14:73,221,080, A>T. VCF-style: chr14-73221080-A-T. GRCh37 (hg19) VCF-style: chr14-73687788-A-T.
Other names: c.*1791A>T (NM_007318.3).
Identifiers: ClinVar variation 313973 (VCV000313973.5), dbSNP rs177412, ClinGen allele CA10640751.